The following is an entry in ClinVar:

NM_012431.3(SEMA3E):c.30G>A (p.Leu10=)

Gene: SEMA3E (semaphorin 3E; minus strand). Cytogenetic location: 7q21.11.
Variant type: single nucleotide variant.
Coding change: c.30G>A on transcript NM_012431.3 (MANE Select); coding-DNA position 30, G replaced by A.
Protein change: p.Leu10=; no amino-acid change (leucine 10 retained).
Molecular consequence: synonymous variant.
Genome position (GRCh38, 1-based): chr7:83,648,513, C>T on the plus strand (G>A on the coding strand, the complement: SEMA3E is on the minus strand). VCF-style: chr7-83648513-C-T. GRCh37 (hg19) VCF-style: chr7-83277829-C-T.
Other names: c.30G>A (NM_012431.2).
Identifiers: ClinVar variation 2186200 (VCV002186200.6), dbSNP rs112772585, ClinGen allele CA4322495.

ClinVar aggregate classification (germline): Likely benign. Review status: criteria provided, single submitter (1 of 4 stars). 2 submissions from 2 submitters: Likely benign (1). 1 of the submissions does not count toward it. Last evaluated 2025-09-24.

Conditions:
SEMA3E-related disorder. Also called: SEMA3E-related condition.
CHARGE syndrome (CHARGE). Also called: Hittner Hirsch Kreh syndrome; CHARGE ASSOCIATION--COLOBOMA, HEART ANOMALY, CHOANAL ATRESIA, RETARDATION, GENITAL AND EAR ANOMALIES; Coloboma, heart anomaly, choanal atresia, retardation, genital and ear anomalies; CHARGE association; Hall-Hittner syndrome. Identifiers: Orphanet 138, MedGen C0265354, MONDO:0008965.

Allele frequency attached by ClinVar (database versions not stated): ExAC 0.00001; gnomAD exomes 0.00001; gnomAD 0.00004; ESP Exome Variant Server 0.00008.
gnomAD v4.1: 15 of 1,613,228 alleles (0.00093%); highest among the groups gnomAD compares: African/African-American, 0.017%; no homozygotes.

Submissions (2):

Labcorp Genetics (formerly Invitae), Labcorp
Classification: Likely benign for CHARGE syndrome. Last evaluated: 2025-09-24. Review status: criteria provided, single submitter. Criteria: Invitae Variant Classification Sherloc (09022015). Collection method: clinical testing. Allele origin: germline.

PreventionGenetics, part of Exact Sciences
Classification: Likely benign for SEMA3E-related condition. Last evaluated: 2022-04-27. Review status: no assertion criteria provided. Collection method: clinical testing. Allele origin: germline. Not counted in ClinVar's aggregate classification.
Comment: This variant is classified as likely benign based on ACMG/AMP sequence variant interpretation guidelines (Richards et al. 2015 PMID: 25741868, with internal and published modifications).